The following is an entry in ClinVar:

ClinVar aggregate classification (germline): Uncertain significance. Review status: criteria provided, multiple submitters, no conflicts (2 of 4 stars). 2 submissions from 2 submitters: Uncertain significance (2). Last evaluated 2024-11-21.

Conditions:
Inborn genetic diseases. Identifiers: MedGen C0950123, MeSH D030342.

Allele frequency attached by ClinVar (database versions not stated): ExAC 0.00002.
gnomAD v4.1: 51 of 1,588,694 alleles (0.0032%); highest among the groups gnomAD compares: Non-Finnish European, 0.0041%; no homozygotes.

Submissions (2):

Ambry Genetics
Classification: Uncertain significance for Inborn genetic diseases. Last evaluated: 2024-11-21. Review status: criteria provided, single submitter. Criteria: Ambry Variant Classification Scheme 2023. Collection method: clinical testing. Allele origin: germline.

Labcorp Genetics (formerly Invitae), Labcorp
Classification: Uncertain significance. Last evaluated: 2022-07-19. Review status: criteria provided, single submitter. Criteria: Invitae Variant Classification Sherloc (09022015). Collection method: clinical testing. Allele origin: germline.
Comment: This variant is present in population databases (rs750465152, gnomAD 0.001%). This sequence change replaces serine, which is neutral and polar, with tyrosine, which is neutral and polar, at codon 460 of the COL18A1 protein (p.Ser460Tyr). This variant has not been reported in the literature in individuals affected with COL18A1-related conditions. In summary, the available evidence is currently insufficient to determine the role of this variant in disease. Therefore, it has been classified as a Variant of Uncertain Significance. Experimental studies and prediction algorithms are not available or were not evaluated, and the functional significance of this variant is currently unknown. ClinVar contains an entry for this variant (Variation ID: 1446099).

NM_001379500.1(COL18A1):c.1379C>A (p.Ser460Tyr)

Gene: COL18A1 (collagen type XVIII alpha 1 chain; plus strand). Cytogenetic location: 21q22.3.
Variant type: single nucleotide variant.
Coding change: c.1379C>A on transcript NM_001379500.1 (MANE Select); coding-DNA position 1379, C replaced by A.
Protein change: p.Ser460Tyr; replaces serine 460 with tyrosine.
Molecular consequence: missense variant.
Genome position (GRCh38, 1-based): chr21:45,480,137, C>A. VCF-style: chr21-45480137-C-A. GRCh37 (hg19) VCF-style: chr21-46900051-C-A.
Other names: NM_130445.2:c.1379C>A; c.1919C>A, p.Ser640Tyr (NM_030582.4); c.2624C>A, p.Ser875Tyr (NM_130444.3); short protein forms S460Y, S875Y, S640Y.
Identifiers: ClinVar variation 1446099 (VCV001446099.7), dbSNP rs750465152, ClinGen allele CA10066269.
Genomic context (GRCh38, chr21:45,480,137, plus strand): 5'-CTGGGGTTGGAGAGAGAGGGCCCCCAGGACCCCAAGGGCCTCCAGGGCCCCCAGGACCCT[C>A]CTTCAGACACGACAAGCTGGTAAGTCCCGCCCTTGGCTTCCTGCGACCCGGGGTCTGCCC-3'
Protein context (NP_001366429.1, residues 450-470): PQGPPGPPGP[Ser460Tyr]FRHDKLTFID